The following is an entry in ClinVar:

ClinVar aggregate classification (germline): Uncertain significance (1 of 4 stars; one submission).

Conditions:
Progressive myoclonic epilepsy type 7. Identifiers: Orphanet 435438, MedGen C4015420, MONDO:0014521, OMIM 616187.

Allele frequency attached by ClinVar (database versions not stated): gnomAD 0.00001; TOPMed 0.00001; ExAC 0.00002.
gnomAD v4.1: 1 of 1,582,158 alleles (0.000063%); highest among the groups gnomAD compares: African/African-American, 0.0014%; no homozygotes.

Submission:

Labcorp Genetics (formerly Invitae), Labcorp
Classification: Uncertain significance for Progressive myoclonic epilepsy type 7. Last evaluated: 2022-12-10. Review status: criteria provided, single submitter. Criteria: Invitae Variant Classification Sherloc (09022015). Collection method: clinical testing. Allele origin: germline.
Comment: In summary, the available evidence is currently insufficient to determine the role of this variant in disease. Therefore, it has been classified as a Variant of Uncertain Significance. Advanced modeling of protein sequence and biophysical properties (such as structural, functional, and spatial information, amino acid conservation, physicochemical variation, residue mobility, and thermodynamic stability) performed at Invitae indicates that this missense variant is not expected to disrupt KCNC1 protein function. This variant has not been reported in the literature in individuals affected with KCNC1-related conditions. The frequency data for this variant in the population databases is considered unreliable, as metrics indicate poor data quality at this position in the gnomAD database. This sequence change replaces isoleucine, which is neutral and non-polar, with phenylalanine, which is neutral and non-polar, at codon 176 of the KCNC1 protein (p.Ile176Phe).

NM_001112741.2(KCNC1):c.526A>T (p.Ile176Phe)

Gene: KCNC1 (potassium voltage-gated channel subfamily C member 1; plus strand). Cytogenetic location: 11p15.1.
Variant type: single nucleotide variant.
Coding change: c.526A>T on transcript NM_001112741.2 (MANE Select); coding-DNA position 526, A replaced by T.
Protein change: p.Ile176Phe; replaces isoleucine 176 with phenylalanine.
Molecular consequence: missense variant.
Genome position (GRCh38, 1-based): chr11:17,736,528, A>T. VCF-style: chr11-17736528-A-T. GRCh37 (hg19) VCF-style: chr11-17758075-A-T.
Other names: c.526A>T, p.Ile176Phe (NM_004976.4); short protein forms I176F.
Identifiers: ClinVar variation 2996111 (VCV002996111.3), dbSNP rs745890467, ClinGen allele CA5906688.
Genomic context (GRCh38, chr11:17,736,528, plus strand): 5'-GCGCTCAGTGACTCCCCGGATGGCCGGCCTGGCGGCTTTTGGCGCCGCTGGCAGCCGCGC[A>T]TCTGGGCGCTCTTCGAGGACCCGTACTCGTCCCGCTACGCGCGGGTAAGTGACAATTTAC-3'
Protein context (NP_001106212.1, residues 166-186): GGFWRRWQPR[Ile176Phe]WALFEDPYSS